The following is an entry in ClinVar:

ClinVar aggregate classification (germline): Uncertain significance (1 of 4 stars; one submission).

Conditions:
Tuberous sclerosis 2 (TSC2). Identifiers: Orphanet 805, MedGen C1860707, MONDO:0013199, OMIM 613254.

Submission:

Labcorp Genetics (formerly Invitae), Labcorp
Classification: Uncertain significance for Tuberous sclerosis 2. Last evaluated: 2022-03-27. Review status: criteria provided, single submitter. Criteria: Invitae Variant Classification Sherloc (09022015). Collection method: clinical testing. Allele origin: germline.
Comment: In summary, the available evidence is currently insufficient to determine the role of this variant in disease. Therefore, it has been classified as a Variant of Uncertain Significance. Algorithms developed to predict the effect of sequence changes on RNA splicing suggest that this variant may disrupt the consensus splice site. Advanced modeling of protein sequence and biophysical properties (such as structural, functional, and spatial information, amino acid conservation, physicochemical variation, residue mobility, and thermodynamic stability) performed at Invitae indicates that this missense variant is not expected to disrupt TSC2 protein function. This variant has not been reported in the literature in individuals affected with TSC2-related conditions. This variant is not present in population databases (gnomAD no frequency). This sequence change replaces arginine, which is basic and polar, with lysine, which is basic and polar, at codon 344 of the TSC2 protein (p.Arg344Lys).

NM_000548.5(TSC2):c.1031G>A (p.Arg344Lys)

Gene: TSC2 (TSC complex subunit 2; plus strand). Cytogenetic location: 16p13.3.
Variant type: single nucleotide variant.
Coding change: c.1031G>A on transcript NM_000548.5 (MANE Select); coding-DNA position 1031, G replaced by A.
Protein change: p.Arg344Lys; replaces arginine 344 with lysine.
Molecular consequence: missense variant.
Genome position (GRCh38, 1-based): chr16:2,060,725, G>A. VCF-style: chr16-2060725-G-A. GRCh37 (hg19) VCF-style: chr16-2110726-G-A.
Other names: c.1031G>A, p.Arg344Lys (NM_001077183.3, NM_001114382.3, NM_001363528.2 and 6 more transcripts); c.920G>A, p.Arg307Lys (NM_001318827.2, NM_001406670.1, NM_001406678.1); c.884G>A, p.Arg295Lys (NM_001318829.2, NM_001406679.1, NM_001406675.1 and 1 more transcripts); c.431G>A, p.Arg144Lys (NM_001318831.2, NM_001406680.1, NM_001406682.1 and 6 more transcripts); c.1064G>A, p.Arg355Lys (NM_001318832.2); c.569G>A, p.Arg190Lys (NM_001406681.1); c.-401G>A (NM_001406689.1, NM_001406690.1, NM_001406691.1 and 4 more transcripts); c.-282G>A (NM_001406694.1, NM_001406695.1); and 4 more; short protein forms R144K, R307K, R355K, R374K, R190K, R325K, R340K, R295K.
Identifiers: ClinVar variation 1974167 (VCV001974167.5), dbSNP rs2151136294, ClinGen allele CA394317654.
Genomic context (GRCh38, chr16:2,060,725, plus strand): 5'-TCCAGGCCATGGCATGTCCGAACGAGGTGGTGTCCTATGAGATCGTCCTGTCCATCACCA[G>A]GCTCATCAAGAAGTATAGGAAGGAGCTCCAGGTGGTGGCGTGGGACATTCTGCTGAACAT-3'
Protein context (NP_000539.2, residues 334-354): VSYEIVLSIT[Arg344Lys]LIKKYRKELQ